The following is an entry in ClinVar:

ClinVar aggregate classification (germline): Uncertain significance (1 of 4 stars; one submission).

Conditions:
Inborn genetic diseases. Identifiers: MedGen C0950123, MeSH D030342.

Submission:

Ambry Genetics
Classification: Uncertain significance for Inborn genetic diseases. Last evaluated: 2025-12-18. Review status: criteria provided, single submitter. Criteria: Ambry Variant Classification Scheme 2023. Collection method: clinical testing. Allele origin: germline.
Comment: The p.F465V variant (also known as c.1393T>G), located in coding exon 1 of the SAMD9 gene, results from a T to G substitution at nucleotide position 1393. The phenylalanine at codon 465 is replaced by valine, an amino acid with highly similar properties. This amino acid position is conserved. In addition, this alteration is predicted to be tolerated by in silico analysis. Based on the available evidence, the clinical significance of this variant remains unclear.

NM_017654.4(SAMD9):c.1393T>G (p.Phe465Val)

Gene: SAMD9 (sterile alpha motif domain containing 9; minus strand). Cytogenetic location: 7q21.2.
Variant type: single nucleotide variant.
Coding change: c.1393T>G on transcript NM_017654.4 (MANE Select); coding-DNA position 1393, T replaced by G.
Protein change: p.Phe465Val; replaces phenylalanine 465 with valine.
Molecular consequence: missense variant.
Genome position (GRCh38, 1-based): chr7:93,104,705, A>C on the plus strand (T>G on the coding strand, the complement: SAMD9 is on the minus strand). VCF-style: chr7-93104705-A-C. GRCh37 (hg19) VCF-style: chr7-92734018-A-C.
Other names: c.1393T>G, p.Phe465Val (NM_001193307.2); short protein forms F465V.
Identifiers: ClinVar variation 4843109 (VCV004843109.1).